The following is an entry in ClinVar:

ClinVar aggregate classification (germline): Uncertain significance (1 of 4 stars; one submission).

Submission:

Labcorp Genetics (formerly Invitae), Labcorp
Classification: Uncertain significance. Last evaluated: 2024-03-09. Review status: criteria provided, single submitter. Criteria: Invitae Variant Classification Sherloc (09022015). Collection method: clinical testing. Allele origin: germline.
Comment: This sequence change replaces arginine, which is basic and polar, with serine, which is neutral and polar, at codon 712 of the PROM1 protein (p.Arg712Ser). This variant is not present in population databases (gnomAD no frequency). This variant has not been reported in the literature in individuals affected with PROM1-related conditions. Advanced modeling of protein sequence and biophysical properties (such as structural, functional, and spatial information, amino acid conservation, physicochemical variation, residue mobility, and thermodynamic stability) performed at Invitae indicates that this missense variant is not expected to disrupt PROM1 protein function with a negative predictive value of 80%. In summary, the available evidence is currently insufficient to determine the role of this variant in disease. Therefore, it has been classified as a Variant of Uncertain Significance.

NM_006017.3(PROM1):c.2136A>T (p.Arg712Ser)

Gene: PROM1 (prominin 1; minus strand). Cytogenetic location: 4p15.32.
Variant type: single nucleotide variant.
Coding change: c.2136A>T on transcript NM_006017.3 (MANE Select); coding-DNA position 2136, A replaced by T.
Protein change: p.Arg712Ser; replaces arginine 712 with serine.
Molecular consequence: missense variant.
Genome position (GRCh38, 1-based): chr4:15,986,032, T>A on the plus strand (A>T on the coding strand, the complement: PROM1 is on the minus strand). VCF-style: chr4-15986032-T-A. GRCh37 (hg19) VCF-style: chr4-15987655-T-A.
Other names: c.2109A>T, p.Arg703Ser (NM_001145848.2, NM_001145851.2, NM_001145852.2 and 4 more transcripts); c.2136A>T, p.Arg712Ser (NM_001145849.2, NM_001145850.2); short protein forms R703S, R712S.
Identifiers: ClinVar variation 3645207 (VCV003645207.2).
Genomic context (GRCh38, chr4:15,986,032, plus strand): 5'-GGAAGTATTGTTTGTGATGAAGTTCTGAGCAAAATCCAGAGAAGCTAGAATCCTAGTTAC[T>A]CTCTCCTGAAAGACACAGCCACAGTTATCAGGGTATCAAGTCATAGAAAGTTTTAATTAG-3'
Protein context (NP_006008.1, residues 702-722): LQRTGNGLLE[Arg712Ser]VTRILASLDF